The following is an entry in ClinVar:

NM_006060.6(IKZF1):c.832A>G (p.Met278Val)

Gene: IKZF1 (IKAROS family zinc finger 1; plus strand). Cytogenetic location: 7p12.2.
Variant type: single nucleotide variant.
Coding change: c.832A>G on transcript NM_006060.6 (MANE Select); coding-DNA position 832, A replaced by G.
Protein change: p.Met278Val; replaces methionine 278 with valine.
Molecular consequence: missense variant. On other transcripts: intron variant (7).
Genome position (GRCh38, 1-based): chr7:50,391,845, A>G. VCF-style: chr7-50391845-A-G. GRCh37 (hg19) VCF-style: chr7-50459543-A-G.
Other names: c.706A>G, p.Met236Val (NM_001220765.3, NM_001291837.2); c.571A>G, p.Met191Val (NM_001291838.2); c.445A>G, p.Met149Val (NM_001291839.2); c.403A>G, p.Met135Val (NM_001291841.1); c.277A>G, p.Met93Val (NM_001291843.1); c.892A>G, p.Met298Val (NM_001410879.1); c.590-8073A>G (NM_001220768.2); c.422-8073A>G (NM_001220771.2); and 6 more; short protein forms M149V, M298V, M278V, M135V, M191V, M236V, M93V.
Identifiers: ClinVar variation 3681045 (VCV003681045.3).
Genomic context (GRCh38, chr7:50,391,845, plus strand): 5'-TCAGAGAGATCTCTCGTGCTGGACAGACTAGCAAGTAACGTCGCCAAACGTAAGAGCTCT[A>G]TGCCTCAGAAATTTCTTGGTAAGAGTTAAATGTTTGCTGTCTCTTAAAAAAAAACTATGT-3'
Protein context (NP_006051.1, residues 268-288): ASNVAKRKSS[Met278Val]PQKFLGDKGL

ClinVar aggregate classification (germline): Uncertain significance. Review status: criteria provided, multiple submitters, no conflicts (2 of 4 stars). 2 submissions from 2 submitters: Uncertain significance (2). Last evaluated 2026-03-16.

gnomAD v4.1: 1 of 1,613,442 alleles (0.000062%); highest among the groups gnomAD compares: Non-Finnish European, 0.000085%; no homozygotes.

Submissions (2):

GeneDx
Classification: Uncertain significance. Last evaluated: 2026-03-16. Review status: criteria provided, single submitter. Criteria: GeneDx Variant Classification Process June 2021. Collection method: clinical testing. Allele origin: germline.
Comment: Not observed at significant frequency in large population cohorts (gnomAD); In silico analysis suggests that this missense variant does not alter protein structure/function; Has not been previously published as pathogenic or benign to our knowledge

Labcorp Genetics (formerly Invitae), Labcorp
Classification: Uncertain significance. Last evaluated: 2025-09-03. Review status: criteria provided, single submitter. Criteria: Invitae Variant Classification Sherloc (09022015). Collection method: clinical testing. Allele origin: germline.
Comment: This sequence change replaces methionine, which is neutral and non-polar, with valine, which is neutral and non-polar, at codon 278 of the IKZF1 protein (p.Met278Val). This variant is not present in population databases (gnomAD no frequency). This variant has not been reported in the literature in individuals affected with IKZF1-related conditions. ClinVar contains an entry for this variant (Variation ID: 3681045). An algorithm developed to predict the effect of missense changes on protein structure and function (PolyPhen-2) suggests that this variant is likely to be tolerated. In summary, the available evidence is currently insufficient to determine the role of this variant in disease. Therefore, it has been classified as a Variant of Uncertain Significance.